The following is an entry in ClinVar:

ClinVar aggregate classification (germline): Uncertain significance (1 of 4 stars; one submission).

Allele frequency attached by ClinVar (database versions not stated): gnomAD exomes 0.00001.
gnomAD v4.1: 9 of 1,613,748 alleles (0.00056%); highest among the groups gnomAD compares: South Asian, 0.0011%; no homozygotes.

Submission:

Ambry Genetics
Classification: Uncertain significance. Last evaluated: 2023-04-18. Review status: criteria provided, single submitter. Criteria: Ambry Variant Classification Scheme 2023. Collection method: clinical testing. Allele origin: germline.
Comment: The p.V602M variant (also known as c.1804G>A), located in coding exon 11 of the MYOM1 gene, results from a G to A substitution at nucleotide position 1804. The valine at codon 602 is replaced by methionine, an amino acid with highly similar properties. This amino acid position is conserved. In addition, the in silico prediction for this alteration is inconclusive. Since supporting evidence is limited at this time, the clinical significance of this alteration remains unclear.

NM_003803.4(MYOM1):c.1804G>A (p.Val602Met)

Gene: MYOM1 (myomesin 1; minus strand). Cytogenetic location: 18p11.31.
Variant type: single nucleotide variant.
Coding change: c.1804G>A on transcript NM_003803.4 (MANE Select); coding-DNA position 1804, G replaced by A.
Protein change: p.Val602Met; replaces valine 602 with methionine.
Molecular consequence: missense variant.
Genome position (GRCh38, 1-based): chr18:3,151,733, C>T on the plus strand (G>A on the coding strand, the complement: MYOM1 is on the minus strand). VCF-style: chr18-3151733-C-T. GRCh37 (hg19) VCF-style: chr18-3151731-C-T.
Other names: c.1804G>A, p.Val602Met (NM_019856.2); short protein forms V602M.
Identifiers: ClinVar variation 2560340 (VCV002560340.2), dbSNP rs1304662771, ClinGen allele CA401714078.